The following is an entry in ClinVar:

ClinVar aggregate classification (germline): Pathogenic (1 of 4 stars; one submission).

Allele frequency attached by ClinVar (database versions not stated): gnomAD exomes 0.00002 and 0.00003; ExAC 0.00003; TOPMed 0.00004; gnomAD 0.00005.

Submission:

Labcorp Genetics (formerly Invitae), Labcorp
Classification: Pathogenic. Last evaluated: 2024-02-29. Review status: criteria provided, single submitter. Criteria: Invitae Variant Classification Sherloc (09022015). Collection method: clinical testing. Allele origin: germline.
Comment: This sequence change creates a premature translational stop signal (p.Thr164Asnfs*16) in the CSGALNACT1 gene. It is expected to result in an absent or disrupted protein product. Loss-of-function variants in CSGALNACT1 are known to be pathogenic (PMID: 21148564, 27599773, 31325655). This variant is present in population databases (rs750290204, gnomAD 0.007%). This variant has not been reported in the literature in individuals affected with CSGALNACT1-related conditions. ClinVar contains an entry for this variant (Variation ID: 1452382). For these reasons, this variant has been classified as Pathogenic.

Literature cited by the submitters: PubMed 21148564; PubMed 27599773; PubMed 31325655.

NM_001354483.2(CSGALNACT1):c.490dup (p.Thr164fs)

Gene: CSGALNACT1 (chondroitin sulfate N-acetylgalactosaminyltransferase 1; minus strand). Cytogenetic location: 8p21.3.
Variant type: Duplication.
Coding change: c.490dup on transcript NM_001354483.2 (MANE Select); coding-DNA position 490, one base duplicated (A; older notation c.490dupA).
Protein change: p.Thr164fs; shifts the reading frame from threonine 164.
Molecular consequence: frameshift variant. On other transcripts: non-coding transcript variant (7).
Genome position (GRCh38, 1-based): chr8:19,505,345, T duplicated on the plus strand (A on the coding strand, the reverse complement: CSGALNACT1 is on the minus strand). VCF-style (leftmost placement, unchanged base first): chr8-19505344-G-GT. GRCh37 (hg19) VCF-style: chr8-19362855-G-GT.
Other names: c.490dup, p.Thr164fs (NM_001130518.2, NM_001354475.2, NM_001354476.2 and 18 more transcripts); short protein forms T164fs.
Identifiers: ClinVar variation 1452382 (VCV001452382.6), dbSNP rs750290204, ClinGen allele CA4654239.